The following is an entry in ClinVar:

ClinVar aggregate classification (germline): Pathogenic. Review status: criteria provided, multiple submitters, no conflicts (2 of 4 stars). 11 submissions from 11 submitters: Pathogenic (9). 2 of the submissions do not count toward it. Last evaluated 2025-03-05.

Conditions:
Exercise-induced myalgia. Identifiers: MedGen C1850830, HP:0003738.
Myalgia. Identifiers: MedGen C0231528, HP:0003326.
Elevated circulating creatine kinase activity. Also called: Elevated circulating creatine kinase concentration; Elevated creatine kinase; Elevated serum creatine phosphokinase. Identifiers: MedGen C0241005, HP:0003236.
Merosin deficient congenital muscular dystrophy (MDC1A). Also called: Congenital merosin-deficient muscular dystrophy 1A; Congenital Muscular Dystrophy Type 1A (MDC1A). Identifiers: Orphanet 258, MedGen C1263858, MONDO:0011925, OMIM 607855.
Muscular dystrophy, limb-girdle, autosomal recessive 23. Identifiers: Orphanet 565837, MedGen C4748327, MONDO:0029136, OMIM 618138.
LAMA2-related disorder. Also called: LAMA2-related condition; LAMA2-related disorders.
LAMA2-related muscular dystrophy (LAMA2-RD). Also called: Laminin alpha 2-related dystrophy. Identifiers: MedGen C5679788, MONDO:0100228.

Allele frequency attached by ClinVar (database versions not stated): gnomAD 0.00001; ExAC 0.00002; gnomAD exomes 0.00002 and 0.00003; TOPMed 0.00002.
gnomAD v4.1: 39 of 1,611,908 alleles (0.0024%); highest among the groups gnomAD compares: Non-Finnish European, 0.003%; no homozygotes.

Submissions (11):

Labcorp Genetics (formerly Invitae), Labcorp
Classification: Pathogenic for LAMA2-related muscular dystrophy. Last evaluated: 2025-03-05. Review status: criteria provided, single submitter. Criteria: Invitae Variant Classification Sherloc (09022015). Collection method: clinical testing. Allele origin: germline.
Comment: This sequence change creates a premature translational stop signal (p.Arg2319*) in the LAMA2 gene. It is expected to result in an absent or disrupted protein product. Loss-of-function variants in LAMA2 are known to be pathogenic (PMID: 18700894, 32904964). This variant is present in population databases (rs398123383, gnomAD 0.004%). This premature translational stop signal has been observed in individuals with congenital muscular dystrophy (PMID: 9674786, 28445022, 30055037). This variant is also known as c.7004C>T. ClinVar contains an entry for this variant (Variation ID: 92980). Algorithms developed to predict the effect of sequence changes on RNA splicing suggest that this variant may disrupt the consensus splice site. For these reasons, this variant has been classified as Pathogenic.

3billion
Classification: Pathogenic for Muscular dystrophy, limb-girdle, autosomal recessive 23. Last evaluated: 2025-01-24. Review status: criteria provided, single submitter. Criteria: ACMG Guidelines, 2015. Collection method: clinical testing. Allele origin: germline. Affected: yes.
Comment: The variant is observed at an extremely low frequency in the gnomAD v4.1.0 dataset (total allele frequency: 0.002%). Predicted Consequence/Location: Stop-gained (nonsense): predicted to result in a loss or disruption of normal protein function through nonsense-mediated decay (NMD) or protein truncation. Multiple pathogenic variants are reported downstream of the variant. The variant has been reported at least twice as pathogenic with clinical assertions and evidence for the classification (ClinVar ID: VCV000092980 /PMID: 9674786 /3billion dataset). Therefore, this variant is classified as Pathogenic according to the recommendation of ACMG/AMP guideline.

Baylor Genetics
Classification: Pathogenic for Merosin deficient congenital muscular dystrophy. Last evaluated: 2024-03-27. Review status: criteria provided, single submitter. Criteria: ACMG Guidelines, 2015. Collection method: clinical testing. Allele origin: unknown.

Blueprint Genetics
Classification: Pathogenic for LAMA2-related disorders. Last evaluated: 2023-10-26. Review status: criteria provided, single submitter. Criteria: ACMG Guidelines, 2015. Collection method: clinical testing. Allele origin: germline. Affected: yes. Observed: 2 variant alleles.

Revvity Omics, Revvity
Classification: Pathogenic. Last evaluated: 2022-03-30. Review status: criteria provided, single submitter. Criteria: ACMG Guidelines, 2015. Collection method: clinical testing. Allele origin: germline.

GeneDx
Classification: Pathogenic. Last evaluated: 2021-11-01. Review status: criteria provided, single submitter. Criteria: GeneDx Variant Classification Process June 2021. Collection method: clinical testing. Allele origin: germline. Affected: yes.
Comment: Nonsense variant predicted to result in protein truncation or nonsense mediated decay in a gene for which loss-of-function is a known mechanism of disease; Not observed at a significant frequency in large population cohorts (gnomAD); This variant is associated with the following publications: (PMID: 29465610, 25525159, 11369186, 32936536, 29376585, 9674786, 28445022, 30055037)

Centre for Mendelian Genomics, University Medical Centre Ljubljana
Classification: Pathogenic for Elevated circulating creatine kinase activity; Exercise-induced myalgia; Myalgia. Last evaluated: 2017-01-01. Review status: criteria provided, single submitter. Criteria: ACMG Guidelines, 2015. Collection method: clinical testing. Allele origin: unknown. Affected: yes.

Eurofins Ntd Llc (ga)
Classification: Pathogenic. Last evaluated: 2016-02-23. Review status: criteria provided, single submitter. Criteria: EGL Classification Definitions. Collection method: clinical testing. Allele origin: germline. Observed: 7 variant alleles, 6 heterozygotes, 1 homozygote.

Neuberg Centre For Genomic Medicine, NCGM
Classification: Pathogenic for Merosin deficient congenital muscular dystrophy. Review status: criteria provided, single submitter. Criteria: ACMG Guidelines, 2015. Collection method: clinical testing. Allele origin: germline. Inheritance: Autosomal recessive inheritance. Affected: yes.
Comment: The stop gained c.6955C>T p.Arg2319Ter variant in LAMA2 gene has been previously reported in homozygous and compound heterozygous states in multiple individuals affected with muscular dystrophy Pegoraro et al., 1998; Kim et al., 2017. The p.Arg2319Ter variant has been reported with allele frequency of 0.001% in gnomAD Exomes and is novel not in any individuals in 1000 Genomes. This variant has been reported to the ClinVar database as Likely Pathogenic / Pathogenic multiple submissions. The nucleotide change c.6955C>T in LAMA2 is predicted as conserved by GERP++ and PhyloP across 100 vertebrates. This sequence change creates a premature translational stop signal p.Arg2319Ter in the LAMA2 gene. This variant is predicted to cause loss of normal protein function through protein truncation. Loss of function variants in LAMA2 gene have been previously reported to be pathogenic Magri et al., 2020. For these reasons, this variant has been classified as Pathogenic.

Counsyl
Classification: Likely pathogenic for Merosin deficient congenital muscular dystrophy. Last evaluated: 2017-04-07. Review status: no assertion criteria provided. Collection method: clinical testing. Allele origin: unknown. Not counted in ClinVar's aggregate classification.

Service de Génétique Moléculaire, Hôpital Robert Debré
Classification: Likely pathogenic for Merosin deficient congenital muscular dystrophy. Review status: no assertion criteria provided. Collection method: clinical testing. Allele origin: unknown. Inheritance: Autosomal recessive inheritance. Affected: yes. Observed: 1 compound heterozygote. Not counted in ClinVar's aggregate classification.

Literature cited by the submitters: PubMed 18700894 (cited by Labcorp Genetics (formerly Invitae), Labcorp); PubMed 32904964 (cited by Labcorp Genetics (formerly Invitae), Labcorp); PubMed 9674786 (cited by 3 submitters); PubMed 28445022 (cited by Labcorp Genetics (formerly Invitae), Labcorp); PubMed 30055037 (cited by Labcorp Genetics (formerly Invitae), Labcorp).

NM_000426.4(LAMA2):c.6955C>T (p.Arg2319Ter)

Gene: LAMA2 (laminin subunit alpha 2; plus strand). Cytogenetic location: 6q22.33.
Variant type: single nucleotide variant.
Coding change: c.6955C>T on transcript NM_000426.4 (MANE Select); coding-DNA position 6955, C replaced by T.
Protein change: p.Arg2319Ter; replaces arginine 2319 with a stop codon.
Molecular consequence: nonsense.
Genome position (GRCh38, 1-based): chr6:129,460,287, C>T. VCF-style: chr6-129460287-C-T. GRCh37 (hg19) VCF-style: chr6-129781432-C-T.
Other names: c.6955C>T, p.Arg2319Ter (NM_001079823.2); short protein forms R2319*.
Identifiers: ClinVar variation 92980 (VCV000092980.28), dbSNP rs398123383, ClinGen allele CA220792.